The following is an entry in ClinVar:

ClinVar aggregate classification (germline): Uncertain significance (1 of 4 stars; one submission).

Conditions:
MHC class II deficiency. Also called: Bare lymphocyte syndrome 2; BLS, TYPE II. Identifiers: Orphanet 572, MedGen C5447452, MONDO:0008855.

Allele frequency attached by ClinVar (database versions not stated): gnomAD exomes below 0.00001; ExAC 0.00001; TOPMed 0.00002; gnomAD 0.00003; ESP Exome Variant Server 0.00008.

Submission:

Labcorp Genetics (formerly Invitae), Labcorp
Classification: Uncertain significance for MHC class II deficiency. Last evaluated: 2023-09-11. Review status: criteria provided, single submitter. Criteria: Invitae Variant Classification Sherloc (09022015). Collection method: clinical testing. Allele origin: germline.
Comment: This variant is present in population databases (rs369403645, gnomAD 0.004%). This sequence change replaces valine, which is neutral and non-polar, with methionine, which is neutral and non-polar, at codon 50 of the RFXANK protein (p.Val50Met). This variant has not been reported in the literature in individuals affected with RFXANK-related conditions. In summary, the available evidence is currently insufficient to determine the role of this variant in disease. Therefore, it has been classified as a Variant of Uncertain Significance. Advanced modeling of protein sequence and biophysical properties (such as structural, functional, and spatial information, amino acid conservation, physicochemical variation, residue mobility, and thermodynamic stability) performed at Invitae indicates that this missense variant is not expected to disrupt RFXANK protein function. ClinVar contains an entry for this variant (Variation ID: 2059546).

NM_003721.4(RFXANK):c.148G>A (p.Val50Met)

Gene: RFXANK (regulatory factor X associated ankyrin containing protein; plus strand). Cytogenetic location: 19p13.11.
Variant type: single nucleotide variant.
Coding change: c.148G>A on transcript NM_003721.4 (MANE Select); coding-DNA position 148, G replaced by A.
Protein change: p.Val50Met; replaces valine 50 with methionine.
Molecular consequence: missense variant.
Genome position (GRCh38, 1-based): chr19:19,194,094, G>A. VCF-style: chr19-19194094-G-A. GRCh37 (hg19) VCF-style: chr19-19304903-G-A.
Other names: c.148G>A, p.Val50Met (NM_001370238.1, NM_134440.3, NM_001278727.2 and 6 more transcripts); short protein forms V50M.
Identifiers: ClinVar variation 2059546 (VCV002059546.4), dbSNP rs369403645, ClinGen allele CA9322603.